The following is an entry in ClinVar:

NM_001378615.1(CC2D2A):c.1360-9C>T

Genes: CC2D2A (coiled-coil and C2 domain containing 2A; plus strand), FBXL5 (F-box and leucine rich repeat protein 5; minus strand). Cytogenetic location: 4p15.32.
Variant type: single nucleotide variant.
Coding change: c.1360-9C>T on transcript NM_001378615.1 (MANE Select); 9 bases into the intron before coding-DNA position 1360, C replaced by T.
Molecular consequence: intron variant.
Genome position (GRCh38, 1-based): chr4:15,528,611, C>T. VCF-style: chr4-15528611-C-T. GRCh37 (hg19) VCF-style: chr4-15530234-C-T.
Other names: c.1360-9C>T (NM_001080522.2); c.1213-9C>T (NM_001378617.1).
Identifiers: ClinVar variation 2186972 (VCV002186972.5), dbSNP rs763775026, ClinGen allele CA2863653.

ClinVar aggregate classification (germline): Likely benign. Review status: criteria provided, single submitter (1 of 4 stars). 2 submissions from 2 submitters: Likely benign (1). 1 of the submissions does not count toward it. Last evaluated 2024-09-23.

Conditions:
CC2D2A-related disorder. Also called: CC2D2A-related disorders; CC2D2A-related condition. Identifiers: MedGen CN239313.
Joubert syndrome. Also called: JOUBERT-BOLTSHAUSER SYNDROME; Familial aplasia of the vermis. Identifiers: Orphanet 475, MedGen C5979921, MONDO:0018772.
Meckel-Gruber syndrome. Also called: DYSENCEPHALIA SPLANCHNOCYSTICA; GRUBER SYNDROME; Dysencephalia splachnocystica. Identifiers: Orphanet 564, MedGen C0265215, MONDO:0018921.

Allele frequency attached by ClinVar (database versions not stated): TOPMed below 0.00001; ExAC 0.00001; gnomAD exomes 0.00002.
gnomAD v4.1: 26 of 1,611,140 alleles (0.0016%); highest among the groups gnomAD compares: Non-Finnish European, 0.0021%; 1 homozygote.

Submissions (2):

Labcorp Genetics (formerly Invitae), Labcorp
Classification: Likely benign for Joubert syndrome; Meckel-Gruber syndrome. Last evaluated: 2024-09-23. Review status: criteria provided, single submitter. Criteria: Invitae Variant Classification Sherloc (09022015). Collection method: clinical testing. Allele origin: germline.

PreventionGenetics, part of Exact Sciences
Classification: Likely benign for CC2D2A-related condition. Last evaluated: 2023-12-14. Review status: no assertion criteria provided. Collection method: clinical testing. Allele origin: germline. Not counted in ClinVar's aggregate classification.
Comment: This variant is classified as likely benign based on ACMG/AMP sequence variant interpretation guidelines (Richards et al. 2015 PMID: 25741868, with internal and published modifications).